The following is an entry in ClinVar:

NM_004453.4(ETFDH):c.865G>A (p.Gly289Arg)

Gene: ETFDH (electron transfer flavoprotein dehydrogenase; plus strand). Cytogenetic location: 4q32.1.
Variant type: single nucleotide variant.
Coding change: c.865G>A on transcript NM_004453.4 (MANE Select); coding-DNA position 865, G replaced by A.
Protein change: p.Gly289Arg; replaces glycine 289 with arginine.
Molecular consequence: missense variant.
Genome position (GRCh38, 1-based): chr4:158,697,592, G>A. VCF-style: chr4-158697592-G-A. GRCh37 (hg19) VCF-style: chr4-159618744-G-A.
Other names: c.724G>A, p.Gly242Arg (NM_001281737.2); c.682G>A, p.Gly228Arg (NM_001281738.1); short protein forms G228R, G242R, G289R.
Identifiers: ClinVar variation 858832 (VCV000858832.8), dbSNP rs1774343332, ClinGen allele CA358561327.

ClinVar aggregate classification (germline): Uncertain significance (1 of 4 stars; one submission).

Conditions:
Multiple acyl-CoA dehydrogenase deficiency (MADD). Also called: Glutaric acidemia type II; GA 2; Glutaric Acidemia type 2; ETHYLMALONIC-ADIPICACIDURIA; GA II; Glutaric aciduria, type 2. Identifiers: Orphanet 26791, MedGen C0268596, MONDO:0009282, OMIM 231680.

Submission:

Labcorp Genetics (formerly Invitae), Labcorp
Classification: Uncertain significance for Multiple acyl-CoA dehydrogenase deficiency. Last evaluated: 2021-11-17. Review status: criteria provided, single submitter. Criteria: Invitae Variant Classification Sherloc (09022015). Collection method: clinical testing. Allele origin: germline.
Comment: In summary, the available evidence is currently insufficient to determine the role of this variant in disease. Therefore, it has been classified as a Variant of Uncertain Significance. Advanced modeling of protein sequence and biophysical properties (such as structural, functional, and spatial information, amino acid conservation, physicochemical variation, residue mobility, and thermodynamic stability) performed at Invitae indicates that this missense variant is expected to disrupt ETFDH protein function. ClinVar contains an entry for this variant (Variation ID: 858832). This variant has not been reported in the literature in individuals affected with ETFDH-related conditions. This variant is not present in population databases (gnomAD no frequency). This sequence change replaces glycine, which is neutral and non-polar, with arginine, which is basic and polar, at codon 289 of the ETFDH protein (p.Gly289Arg).